The following is an entry in ClinVar:

ClinVar aggregate classification (germline): Likely benign (0 of 4 stars; one submission).

Conditions:
ARCN1-related disorder. Also called: ARCN1-related condition.

Allele frequency attached by ClinVar (database versions not stated): gnomAD 0.00001.
gnomAD v4.1: 1 of 1,613,656 alleles (0.000062%); highest among the groups gnomAD compares: Admixed American, 0.0017%; no homozygotes.

Submission:

PreventionGenetics, part of Exact Sciences
Classification: Likely benign for ARCN1-related condition. Last evaluated: 2019-02-21. Review status: no assertion criteria provided. Collection method: clinical testing. Allele origin: germline.
Comment: This variant is classified as likely benign based on ACMG/AMP sequence variant interpretation guidelines (Richards et al. 2015 PMID: 25741868, with internal and published modifications).

NM_001655.5(ARCN1):c.984+7A>G

Gene: ARCN1 (archain 1; plus strand). Cytogenetic location: 11q23.3.
Variant type: single nucleotide variant.
Coding change: c.984+7A>G on transcript NM_001655.5 (MANE Select); 7 bases into the intron after coding-DNA position 984, A replaced by G.
Molecular consequence: intron variant.
Genome position (GRCh38, 1-based): chr11:118,590,513, A>G. VCF-style: chr11-118590513-A-G. GRCh37 (hg19) VCF-style: chr11-118461228-A-G.
Other names: c.720+7A>G (NM_001142281.2).
Identifiers: ClinVar variation 3046791 (VCV003046791.2), dbSNP rs1555076158, ClinGen allele CA602162949.
Genomic context (GRCh38, chr11:118,590,513, plus strand): 5'-GGCCGAATTCGTCTTCATGTGGAAAATGAAGATAAGAAAGGGGTGCAGCTACAGGTGTGT[A>G]GAAGCTTTTGATAGGGAGTATTAACACTTTGTCTACCTATTATAGTCTTTCTCAACTAGA-3'